The following is an entry in ClinVar:

ClinVar aggregate classification (germline): Uncertain significance (1 of 4 stars; one submission).

Conditions:
UTP4-related disorder. Also called: UTP4-related condition.

gnomAD v4.1: 10 of 1,613,504 alleles (0.00062%); highest among the groups gnomAD compares: South Asian, 0.0066%; no homozygotes.

Submission:

PreventionGenetics, part of Exact Sciences
Classification: Uncertain significance for UTP4-related condition. Last evaluated: 2024-12-18. Review status: criteria provided, single submitter. Criteria: ACMG Guidelines, 2015. Collection method: clinical testing. Allele origin: germline.
Comment: The UTP4 c.1537G>A variant is predicted to result in the amino acid substitution p.Val513Ile. To our knowledge, this variant has not been reported in the literature. This variant is reported in 0.0065% of alleles in individuals of South Asian descent in gnomAD. At this time, the clinical significance of this variant is uncertain due to the absence of conclusive functional and genetic evidence.

NM_032830.3(UTP4):c.1537G>A (p.Val513Ile)

Gene: UTP4 (UTP4 small subunit processome component). Cytogenetic location: 16q22.1.
Variant type: single nucleotide variant.
Coding change: c.1537G>A on transcript NM_032830.3 (MANE Select); coding-DNA position 1537, G replaced by A.
Protein change: p.Val513Ile; replaces valine 513 with isoleucine.
Molecular consequence: missense variant.
Genome position (GRCh38, 1-based): chr16:69,160,448, G>A. VCF-style: chr16-69160448-G-A. GRCh37 (hg19) VCF-style: chr16-69194351-G-A.
Other names: c.1288G>A, p.Val430Ile (NM_001318391.2); short protein forms V430I, V513I.
Identifiers: ClinVar variation 4997049 (VCV004997049.1).